The following is an entry in ClinVar:

ClinVar aggregate classification (germline): Uncertain significance (1 of 4 stars; one submission).

Submission:

Labcorp Genetics (formerly Invitae), Labcorp
Classification: Uncertain significance. Last evaluated: 2023-05-04. Review status: criteria provided, single submitter. Criteria: Invitae Variant Classification Sherloc (09022015). Collection method: clinical testing. Allele origin: germline.
Comment: This variant has not been reported in the literature in individuals affected with ROBO2-related conditions. In summary, the available evidence is currently insufficient to determine the role of this variant in disease. Therefore, it has been classified as a Variant of Uncertain Significance. Advanced modeling of protein sequence and biophysical properties (such as structural, functional, and spatial information, amino acid conservation, physicochemical variation, residue mobility, and thermodynamic stability) performed at Invitae indicates that this missense variant is not expected to disrupt ROBO2 protein function. This variant is not present in population databases (gnomAD no frequency). This sequence change replaces proline, which is neutral and non-polar, with threonine, which is neutral and polar, at codon 1300 of the ROBO2 protein (p.Pro1300Thr).

NM_001395656.1(ROBO2):c.3910C>A (p.Pro1304Thr)

Gene: ROBO2 (roundabout guidance receptor 2; plus strand). Cytogenetic location: 3p12.3.
Variant type: single nucleotide variant.
Coding change: c.3910C>A on transcript NM_001395656.1 (MANE Select); coding-DNA position 3910, C replaced by A.
Protein change: p.Pro1304Thr; replaces proline 1304 with threonine.
Molecular consequence: missense variant. On other transcripts: intron variant (1).
Genome position (GRCh38, 1-based): chr3:77,635,007, C>A. VCF-style: chr3-77635007-C-A. GRCh37 (hg19) VCF-style: chr3-77684158-C-A.
Other names: c.3946C>A, p.Pro1316Thr (NM_001128929.3); c.3910C>A, p.Pro1304Thr (NM_001290039.2); c.4093C>A, p.Pro1365Thr (NM_001290040.2, NM_001394212.1, NM_001395657.1); c.2119C>A, p.Pro707Thr (NM_001290065.2); c.3958C>A, p.Pro1320Thr (NM_001378190.1, NM_001378200.1, NM_001378201.1); c.4084C>A, p.Pro1362Thr (NM_001378191.1, NM_001378195.1, NM_001378196.1); c.3979C>A, p.Pro1327Thr (NM_001378192.1, NM_001378198.1, NM_001378199.1); c.3898C>A, p.Pro1300Thr (NM_001378193.1, NM_002942.5); and 6 more; short protein forms P1323T, P1342T, P1362T, P707T, P1304T, P1316T, P1366T, P1369T.
Identifiers: ClinVar variation 2860645 (VCV002860645.3), dbSNP rs1348434792, ClinGen allele CA353531283.